The following is an entry in ClinVar:

NM_002476.2(MYL4):c.70G>T (p.Ala24Ser)

Gene: MYL4 (myosin light chain 4; plus strand). Cytogenetic location: 17q21.32.
Variant type: single nucleotide variant.
Coding change: c.70G>T on transcript NM_002476.2 (MANE Select); coding-DNA position 70, G replaced by T.
Protein change: p.Ala24Ser; replaces alanine 24 with serine.
Molecular consequence: missense variant.
Genome position (GRCh38, 1-based): chr17:47,209,492, G>T. VCF-style: chr17-47209492-G-T. GRCh37 (hg19) VCF-style: chr17-45286858-G-T.
Other names: c.70G>T, p.Ala24Ser (NM_001002841.2); short protein forms A24S.
Identifiers: ClinVar variation 2768617 (VCV002768617.3), dbSNP rs1157307211, ClinGen allele CA400031022.

ClinVar aggregate classification (germline): Uncertain significance (1 of 4 stars; one submission).

Conditions:
Atrial fibrillation, familial, 18 (ATFB18). Identifiers: MedGen C4310636, MONDO:0015001, OMIM 617280.

Submission:

Labcorp Genetics (formerly Invitae), Labcorp
Classification: Uncertain significance for Atrial fibrillation, familial, 18. Last evaluated: 2023-10-15. Review status: criteria provided, single submitter. Criteria: Invitae Variant Classification Sherloc (09022015). Collection method: clinical testing. Allele origin: germline.
Comment: This sequence change replaces alanine, which is neutral and non-polar, with serine, which is neutral and polar, at codon 24 of the MYL4 protein (p.Ala24Ser). This variant is not present in population databases (gnomAD no frequency). This variant has not been reported in the literature in individuals affected with MYL4-related conditions. Experimental studies and prediction algorithms are not available or were not evaluated, and the functional significance of this variant is currently unknown. In summary, the available evidence is currently insufficient to determine the role of this variant in disease. Therefore, it has been classified as a Variant of Uncertain Significance.